The following is an entry in ClinVar:

NM_001042492.3(NF1):c.3114-8T>G

Gene: NF1 (neurofibromin 1; plus strand). Cytogenetic location: 17q11.2.
Variant type: single nucleotide variant.
Coding change: c.3114-8T>G on transcript NM_001042492.3 (MANE Select); 8 bases into the intron before coding-DNA position 3114, T replaced by G.
Molecular consequence: intron variant.
Genome position (GRCh38, 1-based): chr17:31,230,834, T>G. VCF-style: chr17-31230834-T-G. GRCh37 (hg19) VCF-style: chr17-29557852-T-G.
Other names: c.3114-8T>G (NM_000267.4).
Identifiers: ClinVar variation 816761 (VCV000816761.5), dbSNP rs1597717471, ClinGen allele CA915949847.

ClinVar aggregate classification (germline): Conflicting classifications of pathogenicity. Review status: criteria provided, conflicting classifications (1 of 4 stars). 3 submissions from 3 submitters: Pathogenic (1); Likely pathogenic (1); Uncertain significance (1). Last evaluated 2025-05-26.

Conditions:
Neurofibromatosis, type 1 (NF1). Also called: Peripheral type neurofibromatosis; Neurofibromatosis, type I; NEUROFIBROMATOSIS, TYPE I, SOMATIC; VON RECKLINGHAUSEN DISEASE. Identifiers: Orphanet 636, MedGen C0027831, MONDO:0018975, OMIM 162200. Disease mechanism: loss of function.
Hereditary cancer-predisposing syndrome. Also called: Hereditary Cancer Syndrome; Neoplastic Syndromes, Hereditary; Hereditary neoplastic syndrome; Tumor predisposition. Identifiers: Orphanet 140162, MedGen C0027672, MeSH D009386, MONDO:0015356.
Cardiovascular phenotype. Identifiers: MedGen CN230736.

Submissions (3):

Labcorp Genetics (formerly Invitae), Labcorp
Classification: Uncertain significance for Neurofibromatosis, type 1. Last evaluated: 2025-05-26. Review status: criteria provided, single submitter. Criteria: Invitae Variant Classification Sherloc (09022015). Collection method: clinical testing. Allele origin: germline.
Comment: This sequence change falls in intron 23 of the NF1 gene. It does not directly change the encoded amino acid sequence of the NF1 protein. This variant is not present in population databases (gnomAD no frequency). This variant has been observed in individual(s) with clinical features of neurofibromatosis type 1 (PMID: 32126153; internal data). ClinVar contains an entry for this variant (Variation ID: 816761). Algorithms developed to predict the effect of sequence changes on RNA splicing suggest that this variant may disrupt the consensus splice site. In summary, the available evidence is currently insufficient to determine the role of this variant in disease. Therefore, it has been classified as a Variant of Uncertain Significance.

Ambry Genetics
Classification: Likely pathogenic for Cardiovascular phenotype; Hereditary cancer-predisposing syndrome. Last evaluated: 2023-01-17. Review status: criteria provided, single submitter. Criteria: Ambry Variant Classification Scheme 2023. Collection method: clinical testing. Allele origin: germline.
Comment: The c.3114-8T>G intronic variant results from a T to G substitution 8 nucleotides upstream from coding exon 24 in the NF1 gene. This variant has been detected in individuals with a clinical diagnosis or suspicion of neurofibromatosis type 1 (Wimmer K et al. Hum Mutat, 2020 06;41:1145-1156; Ambry internal data). RNA studies have demonstrated that this alteration results in an insertion of 7 nucleotides in intron 23 (Wimmer K et al. Hum Mutat, 2020 06;41:1145-1156; Ambry internal data). This variant is considered to be rare based on population cohorts in the Genome Aggregation Database (gnomAD). This nucleotide position is well conserved in available vertebrate species. In silico splice site analysis predicts that this alteration will weaken the native splice acceptor site and will result in the creation or strengthening of a novel splice acceptor site. Based on the majority of available evidence to date, this variant is likely to be pathogenic.

UAB Medical Genomics Laboratory, UAB Medicine
Classification: Pathogenic for Neurofibromatosis, type 1. Last evaluated: 2020-01-20. Review status: criteria provided, single submitter. Criteria: ACMG Guidelines, 2015. Collection method: clinical testing. Allele origin: germline. Affected: yes.

Literature cited by the submitters: PubMed 32126153 (cited by Labcorp Genetics (formerly Invitae), Labcorp and UAB Medical Genomics Laboratory, UAB Medicine).